The following is an entry in ClinVar:

NM_004064.5(CDKN1B):c.234G>C (p.Glu78Asp)

Gene: CDKN1B (cyclin dependent kinase inhibitor 1B; plus strand). Cytogenetic location: 12p13.1.
Variant type: single nucleotide variant.
Coding change: c.234G>C on transcript NM_004064.5 (MANE Select); coding-DNA position 234, G replaced by C.
Protein change: p.Glu78Asp; replaces glutamic acid 78 with aspartic acid.
Molecular consequence: missense variant.
Genome position (GRCh38, 1-based): chr12:12,718,073, G>C. VCF-style: chr12-12718073-G-C. GRCh37 (hg19) VCF-style: chr12-12871007-G-C.
Other names: short protein forms E78D.
Identifiers: ClinVar variation 1512843 (VCV001512843.9), dbSNP rs751794433, ClinGen allele CA383969703.

ClinVar aggregate classification (germline): Uncertain significance. Review status: criteria provided, multiple submitters, no conflicts (2 of 4 stars). 2 submissions from 2 submitters: Uncertain significance (2). Last evaluated 2025-11-17.

Conditions:
Hereditary cancer-predisposing syndrome. Also called: Neoplastic Syndromes, Hereditary; Hereditary Cancer Syndrome; Tumor predisposition; Hereditary neoplastic syndrome. Identifiers: Orphanet 140162, MedGen C0027672, MeSH D009386, MONDO:0015356.
Multiple endocrine neoplasia type 4. Also called: MULTIPLE ENDOCRINE NEOPLASIA, TYPE IV. Identifiers: Orphanet 276152, MedGen C1970712, MONDO:0012552, OMIM 610755.

Submissions (2):

Labcorp Genetics (formerly Invitae), Labcorp
Classification: Uncertain significance for Multiple endocrine neoplasia type 4. Last evaluated: 2025-11-17. Review status: criteria provided, single submitter. Criteria: Invitae Variant Classification Sherloc (09022015). Collection method: clinical testing. Allele origin: germline.
Comment: This sequence change replaces glutamic acid, which is acidic and polar, with aspartic acid, which is acidic and polar, at codon 78 of the CDKN1B protein (p.Glu78Asp). This variant is not present in population databases (gnomAD no frequency). This variant has not been reported in the literature in individuals affected with CDKN1B-related conditions. ClinVar contains an entry for this variant (Variation ID: 1512843). An algorithm developed to predict the effect of missense changes on protein structure and function (PolyPhen-2) suggests that this variant is likely to be tolerated. In summary, the available evidence is currently insufficient to determine the role of this variant in disease. Therefore, it has been classified as a Variant of Uncertain Significance.

Ambry Genetics
Classification: Uncertain significance for Hereditary cancer-predisposing syndrome. Last evaluated: 2025-01-24. Review status: criteria provided, single submitter. Criteria: Ambry Variant Classification Scheme 2023. Collection method: clinical testing. Allele origin: germline.
Comment: The p.E78D variant (also known as c.234G>C), located in coding exon 1 of the CDKN1B gene, results from a G to C substitution at nucleotide position 234. The glutamic acid at codon 78 is replaced by aspartic acid, an amino acid with highly similar properties. This amino acid position is not well conserved in available vertebrate species. In addition, this alteration is predicted to be tolerated by in silico analysis. Since supporting evidence is limited at this time, the clinical significance of this alteration remains unclear.